The following is an entry in ClinVar:

ClinVar aggregate classification (germline): Conflicting classifications of pathogenicity. Review status: criteria provided, conflicting classifications (1 of 4 stars). 5 submissions from 5 submitters: Uncertain significance (3); Likely benign (1). 1 of the submissions does not count toward it. Last evaluated 2026-01-02.

Conditions:
SCN1A-related disorder. Also called: SCN1A-related disorders; SCN1A-related conditions; SCN1A-related condition.
Early-infantile DEE. Also called: Ohtahara syndrome; Early infantile epileptic encephalopathy; Early infantile epileptic encephalopathy with suppression bursts. Identifiers: Orphanet 1934, MedGen C0393706, MONDO:0800491.
Inborn genetic diseases. Identifiers: MedGen C0950123, MeSH D030342.

Allele frequency attached by ClinVar (database versions not stated): gnomAD 0.00001; TOPMed 0.00001.
gnomAD v4.1: 4 of 1,613,792 alleles (0.00025%); highest among the groups gnomAD compares: Admixed American, 0.005%; no homozygotes.

Submissions (5):

Labcorp Genetics (formerly Invitae), Labcorp
Classification: Uncertain significance for Early-infantile DEE. Last evaluated: 2026-01-02. Review status: criteria provided, single submitter. Criteria: Invitae Variant Classification Sherloc (09022015). Collection method: clinical testing. Allele origin: germline.
Comment: This sequence change replaces aspartic acid, which is acidic and polar, with asparagine, which is neutral and polar, at codon 1818 of the SCN1A protein (p.Asp1818Asn). This variant is present in population databases (rs747251662, gnomAD 0.003%). This variant has not been reported in the literature in individuals affected with SCN1A-related conditions. ClinVar contains an entry for this variant (Variation ID: 638827). Invitae Evidence Modeling of protein sequence and biophysical properties (such as structural, functional, and spatial information, amino acid conservation, physicochemical variation, residue mobility, and thermodynamic stability) indicates that this missense variant is not expected to disrupt SCN1A protein function with a negative predictive value of 95%. In summary, the available evidence is currently insufficient to determine the role of this variant in disease. Therefore, it has been classified as a Variant of Uncertain Significance.

Blueprint Genetics
Classification: Likely benign. Last evaluated: 2024-10-25. Review status: criteria provided, single submitter. Criteria: ACMG Guidelines, 2015. Collection method: clinical testing. Allele origin: germline.

Ambry Genetics
Classification: Uncertain significance for Inborn genetic diseases. Last evaluated: 2023-08-23. Review status: criteria provided, single submitter. Criteria: Ambry Variant Classification Scheme 2023. Collection method: clinical testing. Allele origin: germline.

GeneDx
Classification: Uncertain significance. Last evaluated: 2020-07-02. Review status: criteria provided, single submitter. Criteria: GeneDx Variant Classification Process June 2021. Collection method: clinical testing. Allele origin: germline. Affected: yes.
Comment: Missense variants in this gene are often considered pathogenic (Stenson et al., 2014); In silico analysis supports that this missense variant has a deleterious effect on protein structure/function; Has not been previously published as pathogenic or benign to our knowledge; This substitution is predicted to be within the C-terminal cytoplasmic domain

PreventionGenetics, part of Exact Sciences
Classification: Uncertain significance for SCN1A-related condition. Last evaluated: 2024-04-24. Review status: no assertion criteria provided. Collection method: clinical testing. Allele origin: germline. Not counted in ClinVar's aggregate classification.
Comment: The SCN1A c.5452G>A variant is predicted to result in the amino acid substitution p.Asp1818Asn. To our knowledge, this variant has not been reported in the literature. This variant is reported in 0.0028% of alleles in individuals of Latino descent in gnomAD. Although we suspect that this variant may be benign, at this time, the clinical significance of this variant is uncertain due to the absence of conclusive functional and genetic evidence.

NM_001165963.4(SCN1A):c.5452G>A (p.Asp1818Asn)

Genes: SCN1A (sodium voltage-gated channel alpha subunit 1; minus strand), LOC102724058 (uncharacterized LOC102724058; plus strand). Cytogenetic location: 2q24.3.
Variant type: single nucleotide variant.
Coding change: c.5452G>A on transcript NM_001165963.4 (MANE Select); coding-DNA position 5452, G replaced by A.
Protein change: p.Asp1818Asn; replaces aspartic acid 1818 with asparagine.
Molecular consequence: missense variant. On other transcripts: non-coding transcript variant (1).
Genome position (GRCh38, 1-based): chr2:165,991,823, C>T on the plus strand (G>A on the coding strand, the complement: SCN1A is on the minus strand). VCF-style: chr2-165991823-C-T. GRCh37 (hg19) VCF-style: chr2-166848333-C-T.
Other names: c.5368G>A, p.Asp1790Asn (NM_001165964.3, NM_001353957.2, NM_001353958.2); c.5452G>A, p.Asp1818Asn (NM_001202435.3, NM_001353948.2); c.5419G>A, p.Asp1807Asn (NM_001353949.2, NM_001353950.2, NM_001353951.2 and 2 more transcripts); c.5416G>A, p.Asp1806Asn (NM_001353954.2, NM_001353955.2); c.5365G>A, p.Asp1789Asn (NM_001353960.2); c.3010G>A, p.Asp1004Asn (NM_001353961.2); c.5452G>A (NM_001202435.1); short protein forms D1790N, D1004N, D1806N, D1818N, D1789N, D1807N.
Identifiers: ClinVar variation 638827 (VCV000638827.16), dbSNP rs747251662, ClinGen allele CA1942676.